The following is an entry in ClinVar:

NM_005996.4(TBX3):c.112C>A (p.Pro38Thr)

Genes: TBX3 (T-box transcription factor 3; minus strand), TBX3-AS1 (TBX3 antisense RNA 1; plus strand). Cytogenetic location: 12q24.21.
Variant type: single nucleotide variant.
Coding change: c.112C>A on transcript NM_005996.4 (MANE Select); coding-DNA position 112, C replaced by A.
Protein change: p.Pro38Thr; replaces proline 38 with threonine.
Molecular consequence: missense variant.
Genome position (GRCh38, 1-based): chr12:114,683,089, G>T on the plus strand (C>A on the coding strand, the complement: TBX3 is on the minus strand). VCF-style: chr12-114683089-G-T. GRCh37 (hg19) VCF-style: chr12-115120894-G-T.
Other names: c.112C>A, p.Pro38Thr (NM_016569.4); c.112C>A (NM_005996.3); short protein forms P38T.
Identifiers: ClinVar variation 3348318 (VCV003348318.2).

ClinVar aggregate classification (germline): Uncertain significance. Review status: criteria provided, single submitter (1 of 4 stars). 2 submissions from 2 submitters: Uncertain significance (1). 1 of the submissions does not count toward it. Last evaluated 2025-08-04.

Conditions:
Inborn genetic diseases. Identifiers: MedGen C0950123, MeSH D030342.
TBX3-related disorder. Also called: TBX3-related condition.

Submissions (2):

Ambry Genetics
Classification: Uncertain significance for Inborn genetic diseases. Last evaluated: 2025-08-04. Review status: criteria provided, single submitter. Criteria: Ambry Variant Classification Scheme 2023. Collection method: clinical testing. Allele origin: germline.

PreventionGenetics, part of Exact Sciences
Classification: Uncertain significance for TBX3-related condition. Last evaluated: 2024-03-23. Review status: no assertion criteria provided. Collection method: clinical testing. Allele origin: germline. Not counted in ClinVar's aggregate classification.
Comment: The TBX3 c.112C>A variant is predicted to result in the amino acid substitution p.Pro38Thr. To our knowledge, this variant has not been reported in the literature. This variant is reported in 0.016% of alleles in individuals of South Asian descent in gnomAD. Although we suspect that this variant may be benign, at this time, the clinical significance of this variant is uncertain due to the absence of conclusive functional and genetic evidence.